The following is an entry in ClinVar:

ClinVar aggregate classification (germline): Uncertain significance. Review status: criteria provided, single submitter (1 of 4 stars). 2 submissions from 2 submitters: Uncertain significance (1). 1 of the submissions does not count toward it. Last evaluated 2025-02-19.

Conditions:
NF1-related disorder. Also called: NF1-related condition. Identifiers: MedGen CN379171.

Allele frequency attached by ClinVar (database versions not stated): gnomAD exomes 0.00001; gnomAD 0.00002; TOPMed 0.00002; ExAC 0.00003.
gnomAD v4.1: 14 of 1,613,984 alleles (0.00087%); highest among the groups gnomAD compares: South Asian, 0.011%; no homozygotes.

Submissions (2):

Ambry Genetics
Classification: Uncertain significance. Last evaluated: 2025-02-19. Review status: criteria provided, single submitter. Criteria: Ambry Variant Classification Scheme 2023. Collection method: clinical testing. Allele origin: germline.

PreventionGenetics, part of Exact Sciences
Classification: Likely benign for NF1-related condition. Last evaluated: 2021-02-24. Review status: no assertion criteria provided. Collection method: clinical testing. Allele origin: germline. Not counted in ClinVar's aggregate classification.
Comment: This variant is classified as likely benign based on ACMG/AMP sequence variant interpretation guidelines (Richards et al. 2015 PMID: 25741868, with internal and published modifications).

NM_014210.4(EVI2A):c.449C>A (p.Thr150Asn)

Genes: EVI2A (ecotropic viral integration site 2A; minus strand), NF1 (neurofibromin 1; plus strand). Cytogenetic location: 17q11.2.
Variant type: single nucleotide variant.
Coding change: c.449C>A on transcript NM_014210.4 (MANE Select); coding-DNA position 449, C replaced by A.
Protein change: p.Thr150Asn; replaces threonine 150 with asparagine.
Molecular consequence: missense variant. On other transcripts: intron variant (2).
Genome position (GRCh38, 1-based): chr17:31,318,565, G>T on the plus strand (C>A on the coding strand, the complement: EVI2A is on the minus strand). VCF-style: chr17-31318565-G-T. GRCh37 (hg19) VCF-style: chr17-29645583-G-T.
Other names: c.518C>A, p.Thr173Asn (NM_001003927.3); c.4836-7255G>T (NM_001042492.3); c.4773-7255G>T (NM_000267.4); short protein forms T173N, T150N.
Identifiers: ClinVar variation 2407166 (VCV002407166.5), dbSNP rs774655791, ClinGen allele CA8486959.